The following is an entry in ClinVar:

ClinVar aggregate classification (germline): Pathogenic (1 of 4 stars; one submission).

Submission:

Labcorp Genetics (formerly Invitae), Labcorp
Classification: Pathogenic. Last evaluated: 2024-06-21. Review status: criteria provided, single submitter. Criteria: Invitae Variant Classification Sherloc (09022015). Collection method: clinical testing. Allele origin: germline.
Comment: This sequence change creates a premature translational stop signal (p.Pro332Glnfs*12) in the SLC26A4 gene. It is expected to result in an absent or disrupted protein product. Loss-of-function variants in SLC26A4 are known to be pathogenic (PMID: 16283880, 25394566, 26252218, 26445815). This variant is not present in population databases (gnomAD no frequency). This variant has not been reported in the literature in individuals affected with SLC26A4-related conditions. For these reasons, this variant has been classified as Pathogenic.

Literature cited by the submitters: PubMed 16283880; PubMed 25394566; PubMed 26252218; PubMed 26445815.

NM_000441.2(SLC26A4):c.995del (p.Pro332fs)

Gene: SLC26A4 (solute carrier family 26 member 4; plus strand). Cytogenetic location: 7q22.3.
Variant type: Deletion.
Coding change: c.995del on transcript NM_000441.2 (MANE Select); coding-DNA position 995, one base deleted (C; older notation c.995delC).
Protein change: p.Pro332fs; shifts the reading frame from proline 332.
Molecular consequence: frameshift variant.
Genome position (GRCh38, 1-based): chr7:107,683,531, C deleted; the last of 3 consecutive C bases (chr7:107,683,529-107,683,531); deleting any one gives the same sequence. VCF-style (leftmost placement, unchanged base first): chr7-107683528-TC-T. GRCh37 (hg19) VCF-style: chr7-107323973-TC-T.
Other names: short protein forms P332fs.
Identifiers: ClinVar variation 3657296 (VCV003657296.2).
Genomic context (GRCh38, chr7:107,683,528, plus strand): 5'-CTGCCATTTCATATGGAGCCAACCTGGAAAAAAATTACAATGCTGGCATTGTTAAATCCA[TC>T]CCAAGGGGGTGAGTGTGGTGTTCCTCTTAGTACTAATACATTAAGTCAGTAAGTCAGTCT-3'